The following is an entry in ClinVar:

NM_004946.3(DOCK2):c.5444C>T (p.Ser1815Leu)

Gene: DOCK2 (dedicator of cytokinesis 2; plus strand). Cytogenetic location: 5q35.1.
Variant type: single nucleotide variant.
Coding change: c.5444C>T on transcript NM_004946.3 (MANE Select); coding-DNA position 5444, C replaced by T.
Protein change: p.Ser1815Leu; replaces serine 1815 with leucine.
Molecular consequence: missense variant. On other transcripts: non-coding transcript variant (1).
Genome position (GRCh38, 1-based): chr5:170,082,809, C>T. VCF-style: chr5-170082809-C-T. GRCh37 (hg19) VCF-style: chr5-169509813-C-T.
Other names: c.5444C>T (NM_004946.2); short protein forms S1815L.
Identifiers: ClinVar variation 1405425 (VCV001405425.6), dbSNP rs749573495, ClinGen allele CA3554891.

ClinVar aggregate classification (germline): Uncertain significance. Review status: criteria provided, multiple submitters, no conflicts (2 of 4 stars). 2 submissions from 2 submitters: Uncertain significance (2). Last evaluated 2025-03-11.

Conditions:
Inborn genetic diseases. Identifiers: MedGen C0950123, MeSH D030342.
DOCK2 deficiency. Also called: Immunodeficiency 40. Identifiers: Orphanet 447737, MedGen C4225328, MONDO:0014637, OMIM 616433.

Allele frequency attached by ClinVar (database versions not stated): gnomAD 0.00001 and 0.00002; ExAC 0.00002; gnomAD exomes 0.00002.
gnomAD v4.1: 106 of 1,614,014 alleles (0.0066%); highest among the groups gnomAD compares: Non-Finnish European, 0.0082%; no homozygotes.

Submissions (2):

Ambry Genetics
Classification: Uncertain significance for Inborn genetic diseases. Last evaluated: 2025-03-11. Review status: criteria provided, single submitter. Criteria: Ambry Variant Classification Scheme 2023. Collection method: clinical testing. Allele origin: germline.

Labcorp Genetics (formerly Invitae), Labcorp
Classification: Uncertain significance for DOCK2 deficiency. Last evaluated: 2022-09-13. Review status: criteria provided, single submitter. Criteria: Invitae Variant Classification Sherloc (09022015). Collection method: clinical testing. Allele origin: germline.
Comment: This sequence change replaces serine, which is neutral and polar, with leucine, which is neutral and non-polar, at codon 1815 of the DOCK2 protein (p.Ser1815Leu). This variant is present in population databases (rs749573495, gnomAD 0.007%). This variant has not been reported in the literature in individuals affected with DOCK2-related conditions. ClinVar contains an entry for this variant (Variation ID: 1405425). Algorithms developed to predict the effect of missense changes on protein structure and function (SIFT, PolyPhen-2, Align-GVGD) all suggest that this variant is likely to be tolerated. In summary, the available evidence is currently insufficient to determine the role of this variant in disease. Therefore, it has been classified as a Variant of Uncertain Significance.